The following is an entry in ClinVar:

ClinVar aggregate classification (germline): Uncertain significance. Review status: criteria provided, multiple submitters, no conflicts (2 of 4 stars). 2 submissions from 2 submitters: Uncertain significance (2). Last evaluated 2025-03-02.

Conditions:
Inborn genetic diseases. Identifiers: MedGen C0950123, MeSH D030342.
Baller-Gerold syndrome (BGS). Also called: CRANIOSYNOSTOSIS WITH RADIAL DEFECTS. Identifiers: Orphanet 1225, MedGen C0265308, MONDO:0009039, OMIM 218600.

Submissions (2):

Ambry Genetics
Classification: Uncertain significance for Inborn genetic diseases. Last evaluated: 2025-03-02. Review status: criteria provided, single submitter. Criteria: Ambry Variant Classification Scheme 2023. Collection method: clinical testing. Allele origin: germline.
Comment: The p.E423K variant (also known as c.1267G>A), located in coding exon 7 of the RECQL4 gene, results from a G to A substitution at nucleotide position 1267. The glutamic acid at codon 423 is replaced by lysine, an amino acid with similar properties. This amino acid position is conserved. In addition, this alteration is predicted to be tolerated by in silico analysis. Based on the available evidence, the clinical significance of this variant remains unclear.

Labcorp Genetics (formerly Invitae), Labcorp
Classification: Uncertain significance for Baller-Gerold syndrome. Last evaluated: 2021-02-07. Review status: criteria provided, single submitter. Criteria: Invitae Variant Classification Sherloc (09022015). Collection method: clinical testing. Allele origin: germline.
Comment: This variant is not present in population databases (ExAC no frequency). In summary, the available evidence is currently insufficient to determine the role of this variant in disease. Therefore, it has been classified as a Variant of Uncertain Significance. Experimental studies and prediction algorithms are not available or were not evaluated, and the functional significance of this variant is currently unknown. This variant has not been reported in the literature in individuals with RECQL4-related conditions. This sequence change replaces glutamic acid with lysine at codon 423 of the RECQL4 protein (p.Glu423Lys). The glutamic acid residue is moderately conserved and there is a small physicochemical difference between glutamic acid and lysine.

NM_004260.4(RECQL4):c.1267G>A (p.Glu423Lys)

Gene: RECQL4 (RecQ like helicase 4; minus strand). Cytogenetic location: 8q24.3.
Variant type: single nucleotide variant.
Coding change: c.1267G>A on transcript NM_004260.4 (MANE Select); coding-DNA position 1267, G replaced by A.
Protein change: p.Glu423Lys; replaces glutamic acid 423 with lysine.
Molecular consequence: missense variant.
Genome position (GRCh38, 1-based): chr8:144,515,449, C>T on the plus strand (G>A on the coding strand, the complement: RECQL4 is on the minus strand). VCF-style: chr8-144515449-C-T. GRCh37 (hg19) VCF-style: chr8-145740833-C-T.
Other names: c.1267G>A (NM_004260.3); short protein forms E423K.
Identifiers: ClinVar variation 1478342 (VCV001478342.7), dbSNP rs1828019195, ClinGen allele CA372686038.